The following is an entry in ClinVar:

NM_001127222.2(CACNA1A):c.1735A>G (p.Ser579Gly)

Gene: CACNA1A (calcium voltage-gated channel subunit alpha1 A; minus strand). Cytogenetic location: 19p13.13.
Variant type: single nucleotide variant.
Coding change: c.1735A>G on transcript NM_001127222.2 (MANE Select); coding-DNA position 1735, A replaced by G.
Protein change: p.Ser579Gly; replaces serine 579 with glycine.
Molecular consequence: missense variant.
Genome position (GRCh38, 1-based): chr19:13,308,462, T>C on the plus strand (A>G on the coding strand, the complement: CACNA1A is on the minus strand). VCF-style: chr19-13308462-T-C. GRCh37 (hg19) VCF-style: chr19-13419276-T-C.
Other names: c.1738A>G, p.Ser580Gly (NM_000068.4, NM_001127221.2, NM_001174080.2 and 1 more transcripts); short protein forms S579G, S580G.
Identifiers: ClinVar variation 1420886 (VCV001420886.8), dbSNP rs2145005615, ClinGen allele CA404345112.

ClinVar aggregate classification (germline): Uncertain significance (1 of 4 stars; one submission).

Conditions:
Episodic ataxia type 2 (EA2). Also called: ATAXIA, EPISODIC, WITH NYSTAGMUS; ATAXIA, FAMILIAL PAROXYSMAL; CEREBELLAR ATAXIA, PAROXYSMAL, ACETAZOLAMIDE-RESPONSIVE; CEREBELLOPATHY, HEREDITARY PAROXYSMAL; EPISODIC ATAXIA, NYSTAGMUS-ASSOCIATED; ACETAZOLAMIDE-RESPONSIVE HEREDITARY PAROXYSMAL CEREBELLAR ATAXIA. Identifiers: Orphanet 97, MedGen C1720416, MONDO:0007163, OMIM 108500.
Developmental and epileptic encephalopathy, 42 (DEE42A). Also called: Epileptic encephalopathy, early infantile, 42; DEVELOPMENTAL AND EPILEPTIC ENCEPHALOPATHY 42A; EPILEPTIC ENCEPHALOPATHY, EARLY INFANTILE, 42A. Identifiers: MedGen C4310716, MONDO:0014917, OMIM 617106.

Submission:

Labcorp Genetics (formerly Invitae), Labcorp
Classification: Uncertain significance for Developmental and epileptic encephalopathy, 42; Episodic ataxia type 2. Last evaluated: 2020-12-23. Review status: criteria provided, single submitter. Criteria: Invitae Variant Classification Sherloc (09022015). Collection method: clinical testing. Allele origin: germline.
Comment: This sequence change replaces serine with glycine at codon 580 of the CACNA1A protein (p.Ser580Gly). The serine residue is highly conserved and there is a small physicochemical difference between serine and glycine. This variant is not present in population databases (ExAC no frequency). This variant has not been reported in the literature in individuals with CACNA1A-related conditions. Advanced modeling of protein sequence and biophysical properties (such as structural, functional, and spatial information, amino acid conservation, physicochemical variation, residue mobility, and thermodynamic stability) performed at Invitae indicates that this missense variant is expected to disrupt CACNA1A protein function. In summary, the available evidence is currently insufficient to determine the role of this variant in disease. Therefore, it has been classified as a Variant of Uncertain Significance.